The following is an entry in ClinVar:

ClinVar aggregate classification (germline): Conflicting classifications of pathogenicity. Review status: criteria provided, conflicting classifications (1 of 4 stars). 3 submissions from 3 submitters: Likely pathogenic (1); Uncertain significance (2). Last evaluated 2023-11-21.

Conditions:
Atelosteogenesis type I. Also called: SPONDYLOHUMEROFEMORAL HYPOPLASIA; Atelosteogenesis Type 1 (FLNB-AO1); GIANT CELL CHONDRODYSPLASIA. Identifiers: Orphanet 1190, MedGen C0265283, MONDO:0007167, OMIM 108720.

Submissions (3):

GeneDx
Classification: Likely pathogenic. Last evaluated: 2023-11-21. Review status: criteria provided, single submitter. Criteria: GeneDx Variant Classification Process June 2021. Collection method: clinical testing. Allele origin: germline. Affected: yes.
Comment: Not observed at significant frequency in large population cohorts (gnomAD); In silico analysis supports that this missense variant has a deleterious effect on protein structure/function; This variant is associated with the following publications: (PMID: 22190451)

Labcorp Genetics (formerly Invitae), Labcorp
Classification: Uncertain significance. Last evaluated: 2022-09-27. Review status: criteria provided, single submitter. Criteria: Invitae Variant Classification Sherloc (09022015). Collection method: clinical testing. Allele origin: germline.
Comment: This variant is not present in population databases (gnomAD no frequency). This sequence change replaces serine, which is neutral and polar, with tyrosine, which is neutral and polar, at codon 1602 of the FLNB protein (p.Ser1602Tyr). This missense change has been observed in individual(s) with Larsen syndrome (PMID: 22190451). ClinVar contains an entry for this variant (Variation ID: 1333671). Algorithms developed to predict the effect of missense changes on protein structure and function (SIFT, PolyPhen-2, Align-GVGD) all suggest that this variant is likely to be disruptive. This variant disrupts the p.Ser1602 amino acid residue in FLNB. Other variant(s) that disrupt this residue have been observed in individuals with FLNB-related conditions (PMID: 16752402), which suggests that this may be a clinically significant amino acid residue. In summary, the available evidence is currently insufficient to determine the role of this variant in disease. Therefore, it has been classified as a Variant of Uncertain Significance.

3billion
Classification: Uncertain significance for Atelosteogenesis type I. Last evaluated: 2022-01-03. Review status: criteria provided, single submitter. Criteria: ACMG Guidelines, 2015. Collection method: clinical testing. Allele origin: germline. Affected: yes. Observed: 1 heterozygote.
Comment: The variant is not observed in the gnomAD v2.1.1 dataset (PM2_M). In silico tool predictions suggest damaging effect of the variant on gene or gene product (REVEL: 0.862, 3CNET: 0.82, PP3_P). A missense variant is a common mechanism associated with Atelosteogenesis (PP2_P). Therefore, this variant is classified as uncertain significance according to the recommendation of ACMG/AMP guideline.

Literature cited by the submitters: PubMed 22190451 (cited by Labcorp Genetics (formerly Invitae), Labcorp); PubMed 16752402 (cited by Labcorp Genetics (formerly Invitae), Labcorp).

NM_001457.4(FLNB):c.4805C>A (p.Ser1602Tyr)

Gene: FLNB (filamin B; plus strand). Cytogenetic location: 3p14.3.
Variant type: single nucleotide variant.
Coding change: c.4805C>A on transcript NM_001457.4 (MANE Select); coding-DNA position 4805, C replaced by A.
Protein change: p.Ser1602Tyr; replaces serine 1602 with tyrosine.
Molecular consequence: missense variant.
Genome position (GRCh38, 1-based): chr3:58,136,112, C>A. VCF-style: chr3-58136112-C-A. GRCh37 (hg19) VCF-style: chr3-58121839-C-A.
Other names: c.4805C>A (NM_001457.3); c.4898C>A, p.Ser1633Tyr (NM_001164317.2); c.4805C>A, p.Ser1602Tyr (NM_001164318.2, NM_001164319.2); short protein forms S1602Y, S1633Y.
Identifiers: ClinVar variation 1333671 (VCV001333671.8), dbSNP rs2107224888, ClinGen allele CA353352200.